The following is an entry in ClinVar:

ClinVar aggregate classification (germline): Uncertain significance (1 of 4 stars; one submission).

Conditions:
Cardiovascular phenotype. Identifiers: MedGen CN230736.

Submission:

Ambry Genetics
Classification: Uncertain significance for Cardiovascular phenotype. Last evaluated: 2025-02-09. Review status: criteria provided, single submitter. Criteria: Ambry Variant Classification Scheme 2023. Collection method: clinical testing. Allele origin: germline.
Comment: The p.Y2337C variant (also known as c.7010A>G), located in coding exon 19 of the TNXB gene, results from an A to G substitution at nucleotide position 7010. The tyrosine at codon 2337 is replaced by cysteine, an amino acid with highly dissimilar properties. This amino acid position is conserved. In addition, the in silico prediction for this alteration is inconclusive. Based on the available evidence, the clinical significance of this variant remains unclear.

NM_001365276.2(TNXB):c.7010A>G (p.Tyr2337Cys)

Gene: TNXB (tenascin XB; minus strand). Cytogenetic location: 6p21.33.
Variant type: single nucleotide variant.
Coding change: c.7010A>G on transcript NM_001365276.2 (MANE Select); coding-DNA position 7010, A replaced by G.
Protein change: p.Tyr2337Cys; replaces tyrosine 2337 with cysteine.
Molecular consequence: missense variant.
Genome position (GRCh38, 1-based): chr6:32,062,315, T>C on the plus strand (A>G on the coding strand, the complement: TNXB is on the minus strand). VCF-style: chr6-32062315-T-C. GRCh37 (hg19) VCF-style: chr6-32030092-T-C.
Other names: c.7751A>G, p.Tyr2584Cys (NM_001428335.1); c.7010A>G, p.Tyr2337Cys (NM_019105.8); short protein forms Y2584C, Y2337C.
Identifiers: ClinVar variation 3809357 (VCV003809357.1).